The following is an entry in ClinVar:

NM_006231.4(POLE):c.424-10C>T

Gene: POLE (DNA polymerase epsilon, catalytic subunit; minus strand). Cytogenetic location: 12q24.33.
Variant type: single nucleotide variant.
Coding change: c.424-10C>T on transcript NM_006231.4 (MANE Select); 10 bases into the intron before coding-DNA position 424, C replaced by T.
Molecular consequence: intron variant.
Genome position (GRCh38, 1-based): chr12:132,679,661, G>A on the plus strand (C>T on the coding strand, the complement: POLE is on the minus strand). VCF-style: chr12-132679661-G-A. GRCh37 (hg19) VCF-style: chr12-133256247-G-A.
Identifiers: ClinVar variation 385456 (VCV000385456.26), dbSNP rs748433747, ClinGen allele CA6894317.

ClinVar aggregate classification (germline): Likely benign. Review status: criteria provided, multiple submitters, no conflicts (2 of 4 stars). 7 submissions from 7 submitters: Likely benign (4). 3 of the submissions do not count toward it. Last evaluated 2026-04-23.

Conditions:
POLE-related disorder. Also called: POLE-related condition; POLE-related disorders.
Polymerase proofreading-related adenomatous polyposis. Also called: Polymerase proofreading associated polyposis; Polymerase proofreading–associated polyposis (PPAP). Identifiers: Orphanet 447877, MedGen C5202613, MONDO:0018653.
Colorectal cancer, susceptibility to, 12 (CRCS12). Also called: COLORECTAL CANCER, SUSCEPTIBILITY TO, ON CHROMOSOME 12q24. Identifiers: Orphanet 220460, MedGen C3554460, MONDO:0014038, OMIM 615083.

Allele frequency attached by ClinVar (database versions not stated): gnomAD 0.00003; gnomAD exomes 0.00003 and 0.00005; TOPMed 0.00003; ExAC 0.00007.
gnomAD v4.1: 44 of 1,604,470 alleles (0.0027%); highest among the groups gnomAD compares: Non-Finnish European, 0.0032%; no homozygotes.

Submissions (7):

Women's Health and Genetics/Laboratory Corporation of America, LabCorp
Classification: Likely benign. Last evaluated: 2026-04-23. Review status: criteria provided, single submitter. Criteria: LabCorp Variant Classification Summary - May 2015. Collection method: clinical testing. Allele origin: germline.

Labcorp Genetics (formerly Invitae), Labcorp
Classification: Likely benign. Last evaluated: 2026-02-03. Review status: criteria provided, single submitter. Criteria: Invitae Variant Classification Sherloc (09022015). Collection method: clinical testing. Allele origin: germline.

Center for Genomic Medicine, Rigshospitalet, Copenhagen University Hospital
Classification: Likely benign. Last evaluated: 2025-03-04. Review status: criteria provided, single submitter. Criteria: ACMG Guidelines, 2015. Collection method: clinical testing. Allele origin: germline.

GeneDx
Classification: Likely benign. Last evaluated: 2019-11-26. Review status: criteria provided, single submitter. Criteria: GeneDx Variant Classification Process June 2021. Collection method: clinical testing. Allele origin: germline. Affected: yes.

PreventionGenetics, part of Exact Sciences
Classification: Likely benign for POLE-related condition. Last evaluated: 2022-05-13. Review status: no assertion criteria provided. Collection method: clinical testing. Allele origin: germline. Not counted in ClinVar's aggregate classification.
Comment: This variant is classified as likely benign based on ACMG/AMP sequence variant interpretation guidelines (Richards et al. 2015 PMID: 25741868, with internal and published modifications).

Counsyl
Classification: Likely benign for Colorectal cancer, susceptibility to, 12. Last evaluated: 2018-05-29. Review status: no assertion criteria provided. Collection method: clinical testing. Allele origin: unknown. Not counted in ClinVar's aggregate classification.

Department of Pathology and Laboratory Medicine, Sinai Health System
Classification: Likely benign for Polymerase proofreading-related adenomatous polyposis. Review status: no assertion criteria provided. Collection method: clinical testing. Allele origin: unknown. Affected: yes. Study: The Canadian Open Genetics Repository (COGR). Not counted in ClinVar's aggregate classification.
Comment: The POLE c.424-10C>T variant was not identified in the literature. The variant was identified in dbSNP (ID: rs748433747) as "With Likely benign allele", ClinVar (classified as likely benign by Invitae, GeneDx and Counsyl), and LOVD 3.0 (1x as benign). The variant was identified in control databases in 11 of 245386 chromosomes at a frequency of 0.00005 (Genome Aggregation Database Feb 27, 2017). The variant was observed in the following populations: Latino in 1 of 33552 chromosomes (freq: 0.00003), European in 10 of 111028 chromosomes (freq: 0.00009), while the variant was not observed in the African, Other, Ashkenazi Jewish, East Asian, European Finnish, and South Asian populations. The c.424-10C>T variant is located in the 3' splice region but does not affect the invariant -1 and -2 positions. However, positions -3 and -5 to -12 are part of the splicing consensus sequence and variants involving these positions sometimes affect splicing. However, in silico or computational prediction software programs (SpliceSiteFinder, MaxEntScan, NNSPLICE, GeneSplicer) do not predict a difference in splicing. In summary, based on the above information the clinical significance of this variant cannot be determined with certainty at this time although we would lean towards a more benign role for this variant. This variant is classified as likely benign.